The following is an entry in ClinVar:

ClinVar aggregate classification (germline): Uncertain significance (1 of 4 stars; one submission).

Conditions:
Primary ciliary dyskinesia. Also called: Ciliary dyskinesia. Identifiers: Orphanet 244, MedGen C0008780, MONDO:0016575, HP:0012265.

gnomAD v4.1: 2 of 1,613,436 alleles (0.00012%); highest among the groups gnomAD compares: Non-Finnish European, 0.00017%; no homozygotes.

Submission:

Labcorp Genetics (formerly Invitae), Labcorp
Classification: Uncertain significance for Primary ciliary dyskinesia. Last evaluated: 2023-12-21. Review status: criteria provided, single submitter. Criteria: Invitae Variant Classification Sherloc (09022015). Collection method: clinical testing. Allele origin: germline.
Comment: This sequence change replaces histidine, which is basic and polar, with proline, which is neutral and non-polar, at codon 597 of the DNAH11 protein (p.His597Pro). This variant is not present in population databases (gnomAD no frequency). This variant has not been reported in the literature in individuals affected with DNAH11-related conditions. Advanced modeling of protein sequence and biophysical properties (such as structural, functional, and spatial information, amino acid conservation, physicochemical variation, residue mobility, and thermodynamic stability) performed at Invitae indicates that this missense variant is not expected to disrupt DNAH11 protein function with a negative predictive value of 95%. In summary, the available evidence is currently insufficient to determine the role of this variant in disease. Therefore, it has been classified as a Variant of Uncertain Significance.

NM_001277115.2(DNAH11):c.1790A>C (p.His597Pro)

Gene: DNAH11 (dynein axonemal heavy chain 11; plus strand). Cytogenetic location: 7p15.3.
Variant type: single nucleotide variant.
Coding change: c.1790A>C on transcript NM_001277115.2 (MANE Select); coding-DNA position 1790, A replaced by C.
Protein change: p.His597Pro; replaces histidine 597 with proline.
Molecular consequence: missense variant.
Genome position (GRCh38, 1-based): chr7:21,588,143, A>C. VCF-style: chr7-21588143-A-C. GRCh37 (hg19) VCF-style: chr7-21627761-A-C.
Other names: c.1790A>C, p.His597Pro (NM_003777.3); short protein forms H597P.
Identifiers: ClinVar variation 2867503 (VCV002867503.3), dbSNP rs1207221088, ClinGen allele CA366938596.